The following is an entry in ClinVar:

NC_000010.11:g.95755380G>A

Genes: ENTPD1 (ectonucleoside triphosphate diphosphohydrolase 1; plus strand), ENTPD1-AS1 (ENTPD1 antisense RNA 1; minus strand). Cytogenetic location: 10q24.1.
Variant type: single nucleotide variant.
Molecular consequence: non-coding transcript variant (on NR_038444.1). On other transcripts: intron variant (4).
Genome position: GRCh38 VCF-style: chr10-95755380-G-A. GRCh37 (hg19) VCF-style: chr10-97515137-G-A.
Other names: c.37+43387G>A (NM_001440933.1, NM_001440934.1, NM_001098175.2); c.-309+13173G>A (NM_001440938.1).
Identifiers: ClinVar variation 1249702 (VCV001249702.49), dbSNP rs3814159, ClinGen allele CA13272932.
Genomic context (GRCh38, chr10:95,755,380, plus strand): 5'-GAGGGAGAAGCTGCCAAGTCGCCTTGGGACTTGAGGACTTACCTTCCTTTCAAAGGATTA[G>A]CCCTTGTTTTGATTTCAAAATAATTTTGTTACACAGTTTAAAAATAATTTGGTCAGGCTC-3'

ClinVar aggregate classification (germline): Benign. Review status: criteria provided, multiple submitters, no conflicts (2 of 4 stars). 3 submissions from 3 submitters: Benign (3). Last evaluated 2025-12-08.

Conditions:
Hereditary spastic paraplegia 64. Also called: ENTPD1-Related Neurodevelopmental Disorder; Spastic paraplegia 64, autosomal recessive. Identifiers: Orphanet 401810, MedGen C3810289, MONDO:0014303, OMIM 615683.

Allele frequency attached by ClinVar (database versions not stated): gnomAD 0.50199 and 0.50381; gnomAD exomes 0.47659; 1000 Genomes Project 0.47943; TOPMed 0.50698; 1000 Genomes Project 30x 0.48126.
gnomAD v4.1: 132,930 of 270,644 alleles (49%); highest among the groups gnomAD compares: Admixed American, 60%; 33,843 homozygotes.

Submissions (3):

Labcorp Genetics (formerly Invitae), Labcorp
Classification: Benign for Hereditary spastic paraplegia 64. Last evaluated: 2025-12-08. Review status: criteria provided, single submitter. Criteria: Invitae Variant Classification Sherloc (09022015). Collection method: clinical testing. Allele origin: germline.

GeneDx
Classification: Benign. Last evaluated: 2018-11-11. Review status: criteria provided, single submitter. Criteria: GeneDx Variant Classification Process June 2021. Collection method: clinical testing. Allele origin: germline. Affected: yes.
Comment: This variant is associated with the following publications: (PMID: 28302652)

Breakthrough Genomics
Classification: Benign. Review status: criteria provided, single submitter. Criteria: ACMG Guidelines, 2015. Collection method: not provided. Allele origin: germline. Inheritance: Autosomal recessive inheritance. Affected: yes.